The following is an entry in ClinVar:

NM_001384732.1(CPLANE1):c.6398A>C (p.Lys2133Thr)

Gene: CPLANE1 (ciliogenesis and planar polarity effector complex subunit 1; minus strand). Cytogenetic location: 5p13.2.
Variant type: single nucleotide variant.
Coding change: c.6398A>C on transcript NM_001384732.1 (MANE Select); coding-DNA position 6398, A replaced by C.
Protein change: p.Lys2133Thr; replaces lysine 2133 with threonine.
Molecular consequence: missense variant.
Genome position (GRCh38, 1-based): chr5:37,170,105, T>G on the plus strand (A>C on the coding strand, the complement: CPLANE1 is on the minus strand). VCF-style: chr5-37170105-T-G. GRCh37 (hg19) VCF-style: chr5-37170207-T-G.
Other names: c.6398A>C, p.Lys2133Thr (NM_023073.4); short protein forms K2133T.
Identifiers: ClinVar variation 1041930 (VCV001041930.7), dbSNP rs1218344038, ClinGen allele CA359481497.

ClinVar aggregate classification (germline): Uncertain significance. Review status: criteria provided, multiple submitters, no conflicts (2 of 4 stars). 2 submissions from 2 submitters: Uncertain significance (2). Last evaluated 2022-09-27.

Conditions:
Orofaciodigital syndrome type 6 (OFD6). Also called: Oral-facial-digital syndrome type 6; Central polydactyly cleft lip/palate or lingual lump and psychomotor retardation; Y-shaped central metacarpal and cerebellar defect; Joubert syndrome with orofacialdigital anomalies; OROFACIODIGITAL SYNDROME VI; OFDS VI. Identifiers: Orphanet 2754, MedGen C2745997, MONDO:0010176, OMIM 277170.
Joubert syndrome 17 (JBTS17). Identifiers: Orphanet 475, MedGen C3553264, MONDO:0013824, OMIM 614615.

Allele frequency attached by ClinVar (database versions not stated): gnomAD exomes below 0.00001; TOPMed 0.00001.
gnomAD v4.1: 3 of 1,614,210 alleles (0.00019%); highest among the groups gnomAD compares: Non-Finnish European, 0.00017%; no homozygotes.

Submissions (2):

Labcorp Genetics (formerly Invitae), Labcorp
Classification: Uncertain significance. Last evaluated: 2022-09-27. Review status: criteria provided, single submitter. Criteria: Invitae Variant Classification Sherloc (09022015). Collection method: clinical testing. Allele origin: germline.
Comment: In summary, the available evidence is currently insufficient to determine the role of this variant in disease. Therefore, it has been classified as a Variant of Uncertain Significance. Advanced modeling of protein sequence and biophysical properties (such as structural, functional, and spatial information, amino acid conservation, physicochemical variation, residue mobility, and thermodynamic stability) performed at Invitae indicates that this missense variant is not expected to disrupt CPLANE1 protein function. ClinVar contains an entry for this variant (Variation ID: 1041930). This variant has not been reported in the literature in individuals affected with CPLANE1-related conditions. This variant is not present in population databases (gnomAD no frequency). This sequence change replaces lysine, which is basic and polar, with threonine, which is neutral and polar, at codon 2133 of the CPLANE1 protein (p.Lys2133Thr).

Fulgent Genetics
Classification: Uncertain significance for Orofaciodigital syndrome type 6; Joubert syndrome 17. Last evaluated: 2021-12-01. Review status: criteria provided, single submitter. Criteria: ACMG Guidelines, 2015. Collection method: clinical testing. Allele origin: unknown.